The following is an entry in ClinVar:

NM_004055.5(CAPN5):c.599C>A (p.Thr200Asn)

Gene: CAPN5 (calpain 5; plus strand). Cytogenetic location: 11q13.5.
Variant type: single nucleotide variant.
Coding change: c.599C>A on transcript NM_004055.5 (MANE Select); coding-DNA position 599, C replaced by A.
Protein change: p.Thr200Asn; replaces threonine 200 with asparagine.
Molecular consequence: missense variant.
Genome position (GRCh38, 1-based): chr11:77,114,334, C>A. VCF-style: chr11-77114334-C-A. GRCh37 (hg19) VCF-style: chr11-76825380-C-A.
Other names: c.599C>A (NM_004055.4); short protein forms T200N.
Identifiers: ClinVar variation 1521875 (VCV001521875.8), dbSNP rs782369375, ClinGen allele CA6196486.

ClinVar aggregate classification (germline): Conflicting classifications of pathogenicity. Review status: criteria provided, conflicting classifications (1 of 4 stars). 3 submissions from 3 submitters: Uncertain significance (2); Likely benign (1). Last evaluated 2025-08-23.

Conditions:
Inborn genetic diseases. Identifiers: MedGen C0950123, MeSH D030342.

Allele frequency attached by ClinVar (database versions not stated): gnomAD 0.00003; TOPMed 0.00003; ExAC 0.00005; gnomAD exomes 0.00006.
gnomAD v4.1: 207 of 1,614,070 alleles (0.013%); highest among the groups gnomAD compares: Non-Finnish European, 0.017%; no homozygotes.

Submissions (3):

Ambry Genetics
Classification: Uncertain significance for Inborn genetic diseases. Last evaluated: 2025-08-23. Review status: criteria provided, single submitter. Criteria: Ambry Variant Classification Scheme 2023. Collection method: clinical testing. Allele origin: germline.

Labcorp Genetics (formerly Invitae), Labcorp
Classification: Uncertain significance. Last evaluated: 2024-08-09. Review status: criteria provided, single submitter. Criteria: Invitae Variant Classification Sherloc (09022015). Collection method: clinical testing. Allele origin: germline.
Comment: This sequence change replaces threonine, which is neutral and polar, with asparagine, which is neutral and polar, at codon 200 of the CAPN5 protein (p.Thr200Asn). This variant is present in population databases (rs782369375, gnomAD 0.01%). This variant has not been reported in the literature in individuals affected with CAPN5-related conditions. ClinVar contains an entry for this variant (Variation ID: 1521875). Advanced modeling of protein sequence and biophysical properties (such as structural, functional, and spatial information, amino acid conservation, physicochemical variation, residue mobility, and thermodynamic stability) performed at Invitae indicates that this missense variant is not expected to disrupt CAPN5 protein function with a negative predictive value of 80%. In summary, the available evidence is currently insufficient to determine the role of this variant in disease. Therefore, it has been classified as a Variant of Uncertain Significance.

Blueprint Genetics
Classification: Likely benign. Last evaluated: 2023-10-18. Review status: criteria provided, single submitter. Criteria: ACMG Guidelines, 2015. Collection method: clinical testing. Allele origin: germline.